The following is an entry in ClinVar:

ClinVar aggregate classification (germline): Uncertain significance (1 of 4 stars; one submission).

Conditions:
Hereditary cancer-predisposing syndrome. Also called: Hereditary Cancer Syndrome; Hereditary neoplastic syndrome; Neoplastic Syndromes, Hereditary; Tumor predisposition. Identifiers: Orphanet 140162, MedGen C0027672, MeSH D009386, MONDO:0015356.

Submission:

Ambry Genetics
Classification: Uncertain significance for Hereditary cancer-predisposing syndrome. Last evaluated: 2021-08-08. Review status: criteria provided, single submitter. Criteria: Ambry Variant Classification Scheme 2023. Collection method: clinical testing. Allele origin: germline.
Comment: The p.P155A variant (also known as c.463C>G), located in coding exon 1 of the HOXB13 gene, results from a C to G substitution at nucleotide position 463. The proline at codon 155 is replaced by alanine, an amino acid with highly similar properties. This amino acid position is conserved. In addition, this alteration is predicted to be tolerated by in silico analysis. Since supporting evidence is limited at this time, the clinical significance of this alteration remains unclear.

NM_006361.6(HOXB13):c.463C>G (p.Pro155Ala)

Gene: HOXB13 (homeobox B13; minus strand). Cytogenetic location: 17q21.32.
Variant type: single nucleotide variant.
Coding change: c.463C>G on transcript NM_006361.6 (MANE Select); coding-DNA position 463, C replaced by G.
Protein change: p.Pro155Ala; replaces proline 155 with alanine.
Molecular consequence: missense variant.
Genome position (GRCh38, 1-based): chr17:48,728,131, G>C on the plus strand (C>G on the coding strand, the complement: HOXB13 is on the minus strand). VCF-style: chr17-48728131-G-C. GRCh37 (hg19) VCF-style: chr17-46805493-G-C.
Other names: short protein forms P155A.
Identifiers: ClinVar variation 1742085 (VCV001742085.2), dbSNP rs2509514917, ClinGen allele CA400107405.